The following is an entry in ClinVar:

NM_024120.5(NDUFAF5):c.572G>A (p.Gly191Asp)

Gene: NDUFAF5 (NADH:ubiquinone oxidoreductase complex assembly factor 5; plus strand). Cytogenetic location: 20p12.1.
Variant type: single nucleotide variant.
Coding change: c.572G>A on transcript NM_024120.5 (MANE Select); coding-DNA position 572, G replaced by A.
Protein change: p.Gly191Asp; replaces glycine 191 with aspartic acid.
Molecular consequence: missense variant. On other transcripts: non-coding transcript variant (7).
Genome position (GRCh38, 1-based): chr20:13,801,538, G>A. VCF-style: chr20-13801538-G-A. GRCh37 (hg19) VCF-style: chr20-13782184-G-A.
Other names: c.488G>A, p.Gly163Asp (NM_001039375.3); c.101G>A, p.Gly34Asp (NM_001352403.2); c.11G>A, p.Gly4Asp (NM_001352406.2, NM_001352407.2); c.572G>A, p.Gly191Asp (NM_001352408.2); short protein forms G191D, G163D, G4D, G34D.
Identifiers: ClinVar variation 493319 (VCV000493319.45), dbSNP rs762241591, ClinGen allele CA9767813.

ClinVar aggregate classification (germline): Uncertain significance. Review status: criteria provided, multiple submitters, no conflicts (2 of 4 stars). 2 submissions from 2 submitters: Uncertain significance (2). Last evaluated 2024-04-25.

Allele frequency attached by ClinVar (database versions not stated): ExAC 0.00001; gnomAD 0.00001; gnomAD exomes 0.00002 and 0.00003; TOPMed 0.00002.
gnomAD v4.1: 39 of 1,613,716 alleles (0.0024%); highest among the groups gnomAD compares: Non-Finnish European, 0.0033%; no homozygotes.

Submissions (2):

Labcorp Genetics (formerly Invitae), Labcorp
Classification: Uncertain significance. Last evaluated: 2024-04-25. Review status: criteria provided, single submitter. Criteria: Invitae Variant Classification Sherloc (09022015). Collection method: clinical testing. Allele origin: germline.
Comment: This sequence change replaces glycine, which is neutral and non-polar, with aspartic acid, which is acidic and polar, at codon 191 of the NDUFAF5 protein (p.Gly191Asp). This variant is present in population databases (rs762241591, gnomAD 0.004%). This variant has not been reported in the literature in individuals affected with NDUFAF5-related conditions. ClinVar contains an entry for this variant (Variation ID: 493319). Advanced modeling of protein sequence and biophysical properties (such as structural, functional, and spatial information, amino acid conservation, physicochemical variation, residue mobility, and thermodynamic stability) performed at Invitae indicates that this missense variant is not expected to disrupt NDUFAF5 protein function with a negative predictive value of 80%. In summary, the available evidence is currently insufficient to determine the role of this variant in disease. Therefore, it has been classified as a Variant of Uncertain Significance.

CeGaT Center for Human Genetics Tuebingen
Classification: Uncertain significance. Last evaluated: 2017-10-01. Review status: criteria provided, single submitter. Criteria: CeGaT Center For Human Genetics Tuebingen Variant Classification Criteria Version 2. Collection method: clinical testing. Allele origin: germline. Affected: yes. Observed: 1 variant allele.